The following is an entry in ClinVar:

NM_005245.4(FAT1):c.7550C>T (p.Thr2517Met)

Gene: FAT1 (FAT atypical cadherin 1; minus strand). Cytogenetic location: 4q35.2.
Variant type: single nucleotide variant.
Coding change: c.7550C>T on transcript NM_005245.4 (MANE Select); coding-DNA position 7550, C replaced by T.
Protein change: p.Thr2517Met; replaces threonine 2517 with methionine.
Molecular consequence: missense variant.
Genome position (GRCh38, 1-based): chr4:186,619,036, G>A on the plus strand (C>T on the coding strand, the complement: FAT1 is on the minus strand). VCF-style: chr4-186619036-G-A. GRCh37 (hg19) VCF-style: chr4-187540190-G-A.
Other names: short protein forms T2517M.
Identifiers: ClinVar variation 1389730 (VCV001389730.6), dbSNP rs199785192, ClinGen allele CA3166041.

ClinVar aggregate classification (germline): Uncertain significance (1 of 4 stars; one submission).

Allele frequency attached by ClinVar (database versions not stated): gnomAD exomes 0.00011 and 0.00022; ExAC 0.00012; 1000 Genomes Project 30x 0.00016; TOPMed 0.00019; 1000 Genomes Project 0.00020; gnomAD 0.00021 and 0.00022; ESP Exome Variant Server 0.00033.
gnomAD v4.1: 348 of 1,613,960 alleles (0.022%); highest among the groups gnomAD compares: Non-Finnish European, 0.027%; no homozygotes.

Submission:

Labcorp Genetics (formerly Invitae), Labcorp
Classification: Uncertain significance. Last evaluated: 2025-04-07. Review status: criteria provided, single submitter. Criteria: Invitae Variant Classification Sherloc (09022015). Collection method: clinical testing. Allele origin: germline.
Comment: This sequence change replaces threonine, which is neutral and polar, with methionine, which is neutral and non-polar, at codon 2517 of the FAT1 protein (p.Thr2517Met). This variant is present in population databases (rs199785192, gnomAD 0.02%). This variant has not been reported in the literature in individuals affected with FAT1-related conditions. ClinVar contains an entry for this variant (Variation ID: 1389730). An algorithm developed to predict the effect of missense changes on protein structure and function outputs the following: PolyPhen-2: "Benign". The methionine amino acid residue is found in multiple mammalian species, which suggests that this missense change does not adversely affect protein function. In summary, the available evidence is currently insufficient to determine the role of this variant in disease. Therefore, it has been classified as a Variant of Uncertain Significance.